The following is an entry in ClinVar:

ClinVar aggregate classification (germline): Likely benign (1 of 4 stars; one submission).

Conditions:
PTPRS-related disorder. Also called: PTPRS-related condition.

gnomAD v4.1: 304 of 1,597,056 alleles (0.019%); highest among the groups gnomAD compares: East Asian, 0.31%; 3 homozygotes.

Submission:

PreventionGenetics, part of Exact Sciences
Classification: Likely benign for PTPRS-related condition. Last evaluated: 2025-10-28. Review status: criteria provided, single submitter. Criteria: ACMG Guidelines, 2015. Collection method: clinical testing. Allele origin: germline.
Comment: This variant is classified as likely benign based on ACMG/AMP sequence variant interpretation guidelines (Richards et al. 2015 PMID: 25741868, with internal and published modifications).

NM_002850.4(PTPRS):c.2980G>A (p.Ala994Thr)

Gene: PTPRS (protein tyrosine phosphatase receptor type S; minus strand). Cytogenetic location: 19p13.3.
Variant type: single nucleotide variant.
Coding change: c.2980G>A on transcript NM_002850.4 (MANE Select); coding-DNA position 2980, G replaced by A.
Protein change: p.Ala994Thr; replaces alanine 994 with threonine.
Molecular consequence: missense variant. On other transcripts: intron variant (2).
Genome position (GRCh38, 1-based): chr19:5,222,812, C>T on the plus strand (G>A on the coding strand, the complement: PTPRS is on the minus strand). VCF-style: chr19-5222812-C-T. GRCh37 (hg19) VCF-style: chr19-5222823-C-T.
Other names: c.2914G>A, p.Ala972Thr (NM_001394011.1, NM_001394013.1, NM_130854.3); c.2941G>A, p.Ala981Thr (NM_001394012.1); c.1811-592G>A (NM_130853.3); c.1823-592G>A (NM_130855.3); short protein forms A994T, A972T, A981T.
Identifiers: ClinVar variation 4980290 (VCV004980290.1).